The following is an entry in ClinVar:

ClinVar aggregate classification (germline): Uncertain significance. Review status: criteria provided, multiple submitters, no conflicts (2 of 4 stars). 2 submissions from 2 submitters: Uncertain significance (2). Last evaluated 2023-12-09.

Conditions:
Inborn genetic diseases. Identifiers: MedGen C0950123, MeSH D030342.

gnomAD v4.1: 5 of 1,613,658 alleles (0.00031%); highest among the groups gnomAD compares: Non-Finnish European, 0.00042%; no homozygotes.

Submissions (2):

Ambry Genetics
Classification: Uncertain significance for Inborn genetic diseases. Last evaluated: 2023-12-09. Review status: criteria provided, single submitter. Criteria: Ambry Variant Classification Scheme 2023. Collection method: clinical testing. Allele origin: germline.

Labcorp Genetics (formerly Invitae), Labcorp
Classification: Uncertain significance. Last evaluated: 2021-12-29. Review status: criteria provided, single submitter. Criteria: Invitae Variant Classification Sherloc (09022015). Collection method: clinical testing. Allele origin: germline.
Comment: This sequence change replaces glycine, which is neutral and non-polar, with valine, which is neutral and non-polar, at codon 163 of the PCDH15 protein (p.Gly163Val). This variant is not present in population databases (gnomAD no frequency). This variant has not been reported in the literature in individuals affected with PCDH15-related conditions. Algorithms developed to predict the effect of missense changes on protein structure and function are either unavailable or do not agree on the potential impact of this missense change (SIFT: "Tolerated"; PolyPhen-2: "Probably Damaging"; Align-GVGD: "Class C0"). In summary, the available evidence is currently insufficient to determine the role of this variant in disease. Therefore, it has been classified as a Variant of Uncertain Significance.

NM_001384140.1(PCDH15):c.488G>T (p.Gly163Val)

Gene: PCDH15 (protocadherin related 15; minus strand). Cytogenetic location: 10q21.1.
Variant type: single nucleotide variant.
Coding change: c.488G>T on transcript NM_001384140.1 (MANE Select); coding-DNA position 488, G replaced by T.
Protein change: p.Gly163Val; replaces glycine 163 with valine.
Molecular consequence: missense variant.
Genome position (GRCh38, 1-based): chr10:54,346,471, C>A on the plus strand (G>T on the coding strand, the complement: PCDH15 is on the minus strand). VCF-style: chr10-54346471-C-A. GRCh37 (hg19) VCF-style: chr10-56106231-C-A.
Other names: c.503G>T, p.Gly168Val (NM_001142763.2, NM_001142769.4, NM_001142771.2); c.488G>T, p.Gly163Val (NM_001142764.2, NM_001142765.2, NM_001142766.2 and 8 more transcripts); c.422G>T, p.Gly141Val (NM_001142768.2, NM_001142773.2, NM_001354404.2); short protein forms G141V, G168V, G163V.
Identifiers: ClinVar variation 1442141 (VCV001442141.6), dbSNP rs1314363353, ClinGen allele CA376541814.